The following is an entry in ClinVar:

NM_020433.5(JPH2):c.783G>C (p.Ala261=)

Gene: JPH2 (junctophilin 2; minus strand). Cytogenetic location: 20q13.12.
Variant type: single nucleotide variant.
Coding change: c.783G>C on transcript NM_020433.5 (MANE Select); coding-DNA position 783, G replaced by C.
Protein change: p.Ala261=; no amino-acid change (alanine 261 retained).
Molecular consequence: synonymous variant.
Genome position (GRCh38, 1-based): chr20:44,160,004, C>G on the plus strand (G>C on the coding strand, the complement: JPH2 is on the minus strand). VCF-style: chr20-44160004-C-G. GRCh37 (hg19) VCF-style: chr20-42788644-C-G.
Identifiers: ClinVar variation 520298 (VCV000520298.22), dbSNP rs201085317, ClinGen allele CA9868818.
Genomic context (GRCh38, chr20:44,160,004, plus strand): 5'-GGCCTCGAAGGGTGCGGCCTCGTCGGCGCCCTCGGCGGCCTCTCCCAGGCTGGCGGTGGA[C>G]GCGGCGTCGCTGGCGCCCGAGCTGAGGTCGCTCTTAAGGAAGCTGACACGGCTGCGCTGG-3'
Protein context (NP_065166.2, residues 251-271): SDLSSGASDA[Ala261=]STASLGEAAE

ClinVar aggregate classification (germline): Likely benign. Review status: criteria provided, multiple submitters, no conflicts (2 of 4 stars). 8 submissions from 8 submitters: Likely benign (5). 3 of the submissions do not count toward it. Last evaluated 2025-12-01.

Conditions:
Cardiovascular phenotype. Identifiers: MedGen CN230736.
JPH2-related disorder. Also called: JPH2-related condition.
Hypertrophic cardiomyopathy. Also called: HYPERTROPHIC MYOCARDIOPATHY. Identifiers: Orphanet 217569, MedGen C0007194, MeSH D002312, MONDO:0005045, HP:0001639.

Allele frequency attached by ClinVar (database versions not stated): 1000 Genomes Project 30x 0.00031; gnomAD 0.00033 and 0.00034; ExAC 0.00014; 1000 Genomes Project 0.00020; ESP Exome Variant Server 0.00023; TOPMed 0.00028.
gnomAD v4.1: 79 of 1,577,346 alleles (0.005%); highest among the groups gnomAD compares: African/African-American, 0.098%; 1 homozygote.

Submissions (8):

Labcorp Genetics (formerly Invitae), Labcorp
Classification: Likely benign for Hypertrophic cardiomyopathy. Last evaluated: 2025-12-01. Review status: criteria provided, single submitter. Criteria: Invitae Variant Classification Sherloc (09022015). Collection method: clinical testing. Allele origin: germline.

Blueprint Genetics
Classification: Likely benign. Last evaluated: 2023-05-19. Review status: criteria provided, single submitter. Criteria: ACMG Guidelines, 2015. Collection method: clinical testing. Allele origin: germline.

GeneDx
Classification: Likely benign. Last evaluated: 2020-11-11. Review status: criteria provided, single submitter. Criteria: GeneDx Variant Classification Process June 2021. Collection method: clinical testing. Allele origin: germline. Affected: yes.

Ambry Genetics
Classification: Likely benign for Cardiovascular phenotype. Last evaluated: 2016-08-31. Review status: criteria provided, single submitter. Criteria: Ambry Variant Classification Scheme 2023. Collection method: clinical testing. Allele origin: germline.

Breakthrough Genomics
Classification: Likely benign. Review status: criteria provided, single submitter. Criteria: ACMG Guidelines, 2015. Collection method: not provided. Allele origin: germline. Inheritance: Autosomal recessive inheritance. Affected: yes.

PreventionGenetics, part of Exact Sciences
Classification: Likely benign for JPH2-related condition. Last evaluated: 2019-02-20. Review status: no assertion criteria provided. Collection method: clinical testing. Allele origin: germline. Not counted in ClinVar's aggregate classification.
Comment: This variant is classified as likely benign based on ACMG/AMP sequence variant interpretation guidelines (Richards et al. 2015 PMID: 25741868, with internal and published modifications).

Clinical Genetics DNA and cytogenetics Diagnostics Lab, Erasmus MC, Erasmus Medical Center
Classification: Benign. Review status: no assertion criteria provided. Collection method: clinical testing. Allele origin: germline. Affected: yes. Study: VKGL Data-share Consensus. Not counted in ClinVar's aggregate classification.

Joint Genome Diagnostic Labs from Nijmegen and Maastricht, Radboudumc and MUMC+
Classification: Likely benign. Review status: no assertion criteria provided. Collection method: clinical testing. Allele origin: germline. Affected: yes. Study: VKGL Data-share Consensus. Not counted in ClinVar's aggregate classification.